The following is an entry in ClinVar:

NM_001256071.3(RNF213):c.4519A>G (p.Arg1507Gly)

Gene: RNF213 (ring finger protein 213; plus strand). Cytogenetic location: 17q25.3.
Variant type: single nucleotide variant.
Coding change: c.4519A>G on transcript NM_001256071.3 (MANE Select); coding-DNA position 4519, A replaced by G.
Protein change: p.Arg1507Gly; replaces arginine 1507 with glycine.
Molecular consequence: missense variant.
Genome position (GRCh38, 1-based): chr17:80,336,370, A>G. VCF-style: chr17-80336370-A-G. GRCh37 (hg19) VCF-style: chr17-78310170-A-G.
Other names: c.4666A>G, p.Arg1556Gly (NM_001410195.1, NM_020914.5); short protein forms R1507G, R1556G.
Identifiers: ClinVar variation 1719718 (VCV001719718.5), dbSNP rs772492254, ClinGen allele CA8820254.

ClinVar aggregate classification (germline): Uncertain significance (1 of 4 stars; one submission).

Allele frequency attached by ClinVar (database versions not stated): ExAC 0.00006.
gnomAD v4.1: 1 of 1,537,150 alleles (0.000065%); no homozygotes.

Submission:

Labcorp Genetics (formerly Invitae), Labcorp
Classification: Uncertain significance. Last evaluated: 2025-04-07. Review status: criteria provided, single submitter. Criteria: Invitae Variant Classification Sherloc (09022015). Collection method: clinical testing. Allele origin: germline.
Comment: This sequence change replaces arginine, which is basic and polar, with glycine, which is neutral and non-polar, at codon 1507 of the RNF213 protein (p.Arg1507Gly). This variant is present in population databases (rs772492254, gnomAD 0.002%). This variant has not been reported in the literature in individuals affected with RNF213-related conditions. ClinVar contains an entry for this variant (Variation ID: 1719718). Invitae Evidence Modeling of protein sequence and biophysical properties (such as structural, functional, and spatial information, amino acid conservation, physicochemical variation, residue mobility, and thermodynamic stability) indicates that this missense variant is not expected to disrupt RNF213 protein function with a negative predictive value of 95%. In summary, the available evidence is currently insufficient to determine the role of this variant in disease. Therefore, it has been classified as a Variant of Uncertain Significance.